The following is an entry in ClinVar:

ClinVar aggregate classification (germline): Likely pathogenic (1 of 4 stars; one submission).

Conditions:
5-Oxoprolinase deficiency (OPLAHD). Also called: 5-OXOPROLINURIA DUE TO 5-OXOPROLINASE DEFICIENCY. Identifiers: Orphanet 33572, MedGen C0268525, MONDO:0009825, OMIM 260005, HP:0040142.

Submission:

Juno Genomics, Hangzhou Juno Genomics, Inc
Classification: Likely pathogenic for 5-Oxoprolinase deficiency. Review status: criteria provided, single submitter. Criteria: ACMG Guidelines, 2015. Collection method: clinical testing. Allele origin: germline.
Comment: Null variant in a gene where loss of function (LOF) is a known mechanism of disease.;Absent from controls (or at extremely low frequency if recessive) in Genome Aggregation Database.

NM_017570.5(OPLAH):c.2009del (p.Gly670fs)

Gene: OPLAH (5-oxoprolinase, ATP-hydrolysing; minus strand). Cytogenetic location: 8q24.3.
Variant type: Deletion.
Coding change: c.2009del on transcript NM_017570.5 (MANE Select); coding-DNA position 2009, one base deleted (G; older notation c.2009delG).
Protein change: p.Gly670fs; shifts the reading frame from glycine 670.
Molecular consequence: frameshift variant.
Genome position (GRCh38, 1-based): chr8:144,056,234, C deleted on the plus strand (G on the coding strand, the reverse complement: OPLAH is on the minus strand); the first of 6 consecutive C bases (chr8:144,056,234-144,056,239); deleting any one gives the same sequence. VCF-style (leftmost placement, unchanged base first): chr8-144056233-GC-G. GRCh37 (hg19) VCF-style: chr8-145111136-GC-G.
Other names: short protein forms G670fs.
Identifiers: ClinVar variation 5007281 (VCV005007281.2).